The following is an entry in ClinVar:

ClinVar aggregate classification (germline): Uncertain significance. Review status: criteria provided, multiple submitters, no conflicts (2 of 4 stars). 2 submissions from 2 submitters: Uncertain significance (2). Last evaluated 2026-01-08.

Conditions:
Candidiasis, familial, 9 (CANDF9). Identifiers: Orphanet 1334, MedGen C4225324, MONDO:0014642, OMIM 616445.

Allele frequency attached by ClinVar (database versions not stated): gnomAD exomes 0.00004; ExAC 0.00006.
gnomAD v4.1: 26 of 1,613,954 alleles (0.0016%); highest among the groups gnomAD compares: Admixed American, 0.013%; no homozygotes.

Submissions (2):

Labcorp Genetics (formerly Invitae), Labcorp
Classification: Uncertain significance for Candidiasis, familial, 9. Last evaluated: 2026-01-08. Review status: criteria provided, single submitter. Criteria: Invitae Variant Classification Sherloc (09022015). Collection method: clinical testing. Allele origin: germline.
Comment: This sequence change replaces proline, which is neutral and non-polar, with glutamine, which is neutral and polar, at codon 317 of the IL17RC protein (p.Pro317Gln). This variant is present in population databases (rs781692172, gnomAD 0.01%). This variant has not been reported in the literature in individuals affected with IL17RC-related conditions. ClinVar contains an entry for this variant (Variation ID: 1062758). An algorithm developed to predict the effect of missense changes on protein structure and function (PolyPhen-2) suggests that this variant is likely to be tolerated. In summary, the available evidence is currently insufficient to determine the role of this variant in disease. Therefore, it has been classified as a Variant of Uncertain Significance.

Ambry Genetics
Classification: Uncertain significance. Last evaluated: 2024-03-15. Review status: criteria provided, single submitter. Criteria: Ambry Variant Classification Scheme 2023. Collection method: clinical testing. Allele origin: germline.

NM_153460.4(IL17RC):c.737C>A (p.Pro246Gln)

Gene: IL17RC (interleukin 17 receptor C; plus strand). Cytogenetic location: 3p25.3.
Variant type: single nucleotide variant.
Coding change: c.737C>A on transcript NM_153460.4 (MANE Select); coding-DNA position 737, C replaced by A.
Protein change: p.Pro246Gln; replaces proline 246 with glutamine.
Molecular consequence: missense variant. On other transcripts: non-coding transcript variant (1), intron variant (1).
Genome position (GRCh38, 1-based): chr3:9,923,995, C>A. VCF-style: chr3-9923995-C-A. GRCh37 (hg19) VCF-style: chr3-9965679-C-A.
Other names: c.737C>A, p.Pro246Gln (NM_001203263.2, NM_001203264.2); c.692C>A, p.Pro231Gln (NM_001203265.2, NM_001367280.1, NM_032732.6); c.617C>A, p.Pro206Gln (NM_001367279.1); c.950C>A, p.Pro317Gln (NM_153461.4); c.723+14C>A (NM_001367278.1); c.950C>A (NM_153461.3); short protein forms P206Q, P231Q, P246Q, P317Q.
Identifiers: ClinVar variation 1062758 (VCV001062758.6), dbSNP rs781692172, ClinGen allele CA2246940.
Genomic context (GRCh38, chr3:9,923,995, plus strand): 5'-ATGTCTCTGAGGAGCAGCACTTCGGCCTCTCCCTGTACTGGAATCAGGTCCAGGGCCCCC[C>A]AAAACCCCGGTGGCACAAAAACCTGGTGAGGCCTCCCCCTTCCCAAGTCCATTCCCACTG-3'
Protein context (NP_703190.2, residues 236-256): SLYWNQVQGP[Pro246Gln]KPRWHKNLTG